The following is an entry in ClinVar:

NM_000059.4(BRCA2):c.6328_6330del (p.Asp2110del)

Gene: BRCA2 (BRCA2 DNA repair associated; plus strand). Cytogenetic location: 13q13.1.
Variant type: Deletion.
Coding change: c.6328_6330del on transcript NM_000059.4 (MANE Select); coding-DNA positions 6328 to 6330, 3 bases deleted (GAT; older notation c.6328_6330delGAT).
Protein change: p.Asp2110del; deletes aspartic acid 2110.
Molecular consequence: inframe deletion. On other transcripts: non-coding transcript variant (1), intron variant (2).
Genome position (GRCh38, 1-based): chr13:32,340,683-32,340,685, GAT deleted; deleting any 3 consecutive bases within chr13:32,340,682-32,340,685 gives the same sequence; the c. name uses the placement nearest the transcript's 3' end. VCF-style (leftmost placement, unchanged base first): chr13-32340681-TTGA-T. GRCh37 (hg19) VCF-style: chr13-32914818-TTGA-T.
Other names: c.6328_6330del, p.Asp2110del (NM_001406719.1, NM_001406720.1, NM_001432077.1); c.1910-3875_1910-3873del (NM_001406721.1); c.425-3875_425-3873del (NM_001406722.1); short protein forms D2110del.
Identifiers: ClinVar variation 3825449 (VCV003825449.2).

ClinVar aggregate classification (germline): Uncertain significance. Review status: criteria provided, multiple submitters, no conflicts (2 of 4 stars). 2 submissions from 2 submitters: Uncertain significance (2). Last evaluated 2025-02-25.

Conditions:
Hereditary breast ovarian cancer syndrome. Also called: Hereditary breast and ovarian cancer syndrome; BRCA1- and BRCA2-Associated Hereditary Breast and Ovarian Cancer; Hereditary breast and ovarian cancer; Hereditary breast and ovarian cancer syndrome (HBOC); Breast and ovarian cancer; Hereditary breast and/or ovarian cancer syndrome. Identifiers: Orphanet 145, MedGen C0677776, MeSH D061325, MONDO:0003582. Disease mechanism: loss of function.
Hereditary cancer-predisposing syndrome. Also called: Hereditary neoplastic syndrome; Neoplastic Syndromes, Hereditary; Tumor predisposition; Hereditary Cancer Syndrome. Identifiers: Orphanet 140162, MedGen C0027672, MeSH D009386, MONDO:0015356.

Submissions (2):

Labcorp Genetics (formerly Invitae), Labcorp
Classification: Uncertain significance for Hereditary breast ovarian cancer syndrome. Last evaluated: 2025-02-25. Review status: criteria provided, single submitter. Criteria: Invitae Variant Classification Sherloc (09022015). Collection method: clinical testing. Allele origin: germline.
Comment: This variant, c.6328_6330del, results in the deletion of 1 amino acid(s) of the BRCA2 protein (p.Asp2110del), but otherwise preserves the integrity of the reading frame. This variant is not present in population databases (gnomAD no frequency). This variant has not been reported in the literature in individuals affected with BRCA2-related conditions. Experimental studies and prediction algorithms are not available or were not evaluated, and the functional significance of this variant is currently unknown. In summary, the available evidence is currently insufficient to determine the role of this variant in disease. Therefore, it has been classified as a Variant of Uncertain Significance.

Ambry Genetics
Classification: Uncertain significance for Hereditary cancer-predisposing syndrome. Last evaluated: 2025-02-13. Review status: criteria provided, single submitter. Criteria: Ambry Variant Classification Scheme 2023. Collection method: clinical testing. Allele origin: germline.
Comment: The c.6328_6330delGAT variant (also known as p.D2110del) is located in coding exon 10 of the BRCA2 gene. This variant results from an in-frame GAT deletion at nucleotide positions 6328 to 6330. This results in the in-frame deletion of an aspartic acid at codon 2110. This amino acid position is not well conserved in available vertebrate species. In addition, the in silico prediction for this alteration is inconclusive (Choi Y et al. PLoS ONE. 2012; 7(10):e46688). Based on the available evidence, the clinical significance of this variant remains unclear.